The following is an entry in ClinVar:

ClinVar aggregate classification (germline): Uncertain significance. Review status: criteria provided, multiple submitters, no conflicts (2 of 4 stars). 2 submissions from 2 submitters: Uncertain significance (2). Last evaluated 2025-03-01.

Allele frequency attached by ClinVar (database versions not stated): gnomAD 0.00001.
gnomAD v4.1: 9 of 1,614,024 alleles (0.00056%); highest among the groups gnomAD compares: Admixed American, 0.0017%; no homozygotes.

Submissions (2):

Labcorp Genetics (formerly Invitae), Labcorp
Classification: Uncertain significance. Last evaluated: 2025-03-01. Review status: criteria provided, single submitter. Criteria: Invitae Variant Classification Sherloc (09022015). Collection method: clinical testing. Allele origin: germline.
Comment: This sequence change replaces glycine, which is neutral and non-polar, with serine, which is neutral and polar, at codon 505 of the TOPORS protein (p.Gly505Ser). This variant is present in population databases (no rsID available, gnomAD 0.1%). This variant has not been reported in the literature in individuals affected with TOPORS-related conditions. ClinVar contains an entry for this variant (Variation ID: 1470696). An algorithm developed to predict the effect of missense changes on protein structure and function (PolyPhen-2) suggests that this variant is likely to be tolerated. In summary, the available evidence is currently insufficient to determine the role of this variant in disease. Therefore, it has been classified as a Variant of Uncertain Significance.

Blueprint Genetics
Classification: Uncertain significance. Last evaluated: 2023-04-13. Review status: criteria provided, single submitter. Criteria: ACMG Guidelines, 2015. Collection method: clinical testing. Allele origin: germline.

NM_005802.5(TOPORS):c.1513G>A (p.Gly505Ser)

Gene: TOPORS (TOP1 binding arginine/serine rich protein, E3 ubiquitin ligase; minus strand). Cytogenetic location: 9p21.1.
Variant type: single nucleotide variant.
Coding change: c.1513G>A on transcript NM_005802.5 (MANE Select); coding-DNA position 1513, G replaced by A.
Protein change: p.Gly505Ser; replaces glycine 505 with serine.
Molecular consequence: missense variant.
Genome position (GRCh38, 1-based): chr9:32,543,012, C>T on the plus strand (G>A on the coding strand, the complement: TOPORS is on the minus strand). VCF-style: chr9-32543012-C-T. GRCh37 (hg19) VCF-style: chr9-32543010-C-T.
Other names: c.1318G>A, p.Gly440Ser (NM_001195622.2); short protein forms G440S, G505S.
Identifiers: ClinVar variation 1470696 (VCV001470696.9), dbSNP rs1315587448, ClinGen allele CA373169666.